The following is an entry in ClinVar:

ClinVar aggregate classification (germline): Likely benign. Review status: criteria provided, single submitter (1 of 4 stars). 2 submissions from 2 submitters: Likely benign (1). 1 of the submissions does not count toward it. Last evaluated 2019-12-31.

Conditions:
ROCK2-related disorder. Also called: ROCK2-related condition.

Allele frequency attached by ClinVar (database versions not stated): 1000 Genomes Project 30x 0.00016; 1000 Genomes Project 0.00020; TOPMed 0.00061; ESP Exome Variant Server 0.00075; gnomAD 0.00086 and 0.00091.
gnomAD v4.1: 1,114 of 1,585,758 alleles (0.07%); highest among the groups gnomAD compares: Non-Finnish European, 0.074%; 1 homozygote.

Submissions (2):

Labcorp Genetics (formerly Invitae), Labcorp
Classification: Likely benign. Last evaluated: 2019-12-31. Review status: criteria provided, single submitter. Criteria: Invitae Variant Classification Sherloc (09022015). Collection method: clinical testing. Allele origin: germline.

PreventionGenetics, part of Exact Sciences
Classification: Likely benign for ROCK2-related condition. Last evaluated: 2023-05-26. Review status: no assertion criteria provided. Collection method: clinical testing. Allele origin: germline. Not counted in ClinVar's aggregate classification.
Comment: This variant is classified as likely benign based on ACMG/AMP sequence variant interpretation guidelines (Richards et al. 2015 PMID: 25741868, with internal and published modifications).

NM_004850.5(ROCK2):c.407T>G (p.Phe136Cys)

Gene: ROCK2 (Rho associated coiled-coil containing protein kinase 2; minus strand). Cytogenetic location: 2p25.1.
Variant type: single nucleotide variant.
Coding change: c.407T>G on transcript NM_004850.5 (MANE Select); coding-DNA position 407, T replaced by G.
Protein change: p.Phe136Cys; replaces phenylalanine 136 with cysteine.
Molecular consequence: missense variant.
Genome position (GRCh38, 1-based): chr2:11,249,716, A>C on the plus strand (T>G on the coding strand, the complement: ROCK2 is on the minus strand). VCF-style: chr2-11249716-A-C. GRCh37 (hg19) VCF-style: chr2-11389842-A-C.
Other names: c.149T>G, p.Phe50Cys (NM_001321643.2); short protein forms F50C, F136C.
Identifiers: ClinVar variation 755774 (VCV000755774.6), dbSNP rs201939803, ClinGen allele CA1530609.
Genomic context (GRCh38, chr2:11,249,716, plus strand): 5'-CTTACCTGAACCACCCAGGGGCTATTGGCAAAGGCCATAATATCTCTTTCTTCCCAAAAA[A>C]AGGCAGAATCTGATCTTTTTATCATTTCAAACTTACTAAGAAGCTTCATAGCATAAACCT-3'
Protein context (NP_004841.2, residues 126-146): FEMIKRSDSA[Phe136Cys]FWEERDIMAF